The following is an entry in ClinVar:

NM_001377299.1(NDUFS2):c.867-4A>C

Gene: NDUFS2 (NADH:ubiquinone oxidoreductase core subunit S2; plus strand). Cytogenetic location: 1q23.3.
Variant type: single nucleotide variant.
Coding change: c.867-4A>C on transcript NM_001377299.1 (MANE Select); 4 bases into the intron before coding-DNA position 867, A replaced by C.
Molecular consequence: intron variant.
Genome position (GRCh38, 1-based): chr1:161,210,587, A>C. VCF-style: chr1-161210587-A-C. GRCh37 (hg19) VCF-style: chr1-161180377-A-C.
Other names: p.?; c.867-4A>C (NM_001377301.1, NM_004550.5, NM_001166159.2 and 3 more transcripts); c.789-4A>C (NM_001410889.1).
Identifiers: ClinVar variation 4683745 (VCV004683745.1).

ClinVar aggregate classification (germline): Likely benign (1 of 4 stars; one submission).

Submission:

Mayo Clinic Laboratories, Mayo Clinic
Classification: Likely benign. Last evaluated: 2025-08-12. Review status: criteria provided, single submitter. Criteria: ACMG Guidelines, 2015. Collection method: clinical testing. Allele origin: germline. Observed: 1 variant allele.
Comment: BP4, BP7